The following is an entry in ClinVar:

NM_002087.4(GRN):c.716G>T (p.Cys239Phe)

Genes: GRN (granulin precursor; plus strand), LOC125177489 (Sharpr-MPRA regulatory region 15390; plus strand). Cytogenetic location: 17q21.31.
Variant type: single nucleotide variant.
Coding change: c.716G>T on transcript NM_002087.4 (MANE Select); coding-DNA position 716, G replaced by T.
Protein change: p.Cys239Phe; replaces cysteine 239 with phenylalanine.
Molecular consequence: missense variant.
Genome position (GRCh38, 1-based): chr17:44,351,044, G>T. VCF-style: chr17-44351044-G-T. GRCh37 (hg19) VCF-style: chr17-42428412-G-T.
Other names: short protein forms C239F.
Identifiers: ClinVar variation 2925727 (VCV002925727.4), dbSNP rs894043737, ClinGen allele CA290926091.

ClinVar aggregate classification (germline): Uncertain significance. Review status: criteria provided, multiple submitters, no conflicts (2 of 4 stars). 2 submissions from 2 submitters: Uncertain significance (2). Last evaluated 2025-04-08.

Conditions:
GRN-related frontotemporal lobar degeneration with Tdp43 inclusions (FTD2). Also called: GRN Frontotemporal Dementia; FRONTOTEMPORAL DEMENTIA WITH TDP43 INCLUSIONS, GRN-RELATED; DEMENTIA, HEREDITARY DYSPHASIC DISINHIBITION; FRONTOTEMPORAL LOBAR DEGENERATION WITH UBIQUITIN-POSITIVE INCLUSIONS; FTLD-TDP, GRN-RELATED. Identifiers: Orphanet 100070, Orphanet 282, MedGen C1843792, MONDO:0011842, OMIM 607485. Disease mechanism: loss of function.
Neuronal ceroid lipofuscinosis 11. Also called: GRN-Related Neuronal Ceroid-Lipofuscinosis. Identifiers: Orphanet 314629, Orphanet 79262, MedGen C3539123, MONDO:0013866, OMIM 614706.
Inborn genetic diseases. Identifiers: MedGen C0950123, MeSH D030342.

Allele frequency attached by ClinVar (database versions not stated): gnomAD 0.00001; gnomAD exomes 0.00001; TOPMed 0.00001.
gnomAD v4.1: 4 of 1,613,670 alleles (0.00025%); highest among the groups gnomAD compares: Non-Finnish European, 0.00034%; no homozygotes.

Submissions (2):

Ambry Genetics
Classification: Uncertain significance for Inborn genetic diseases. Last evaluated: 2025-04-08. Review status: criteria provided, single submitter. Criteria: Ambry Variant Classification Scheme 2023. Collection method: clinical testing. Allele origin: germline.

Labcorp Genetics (formerly Invitae), Labcorp
Classification: Uncertain significance for Neuronal ceroid lipofuscinosis 11; GRN-related frontotemporal lobar degeneration with Tdp43 inclusions. Last evaluated: 2023-07-17. Review status: criteria provided, single submitter. Criteria: Invitae Variant Classification Sherloc (09022015). Collection method: clinical testing. Allele origin: germline.
Comment: In summary, the available evidence is currently insufficient to determine the role of this variant in disease. Therefore, it has been classified as a Variant of Uncertain Significance. Advanced modeling of protein sequence and biophysical properties (such as structural, functional, and spatial information, amino acid conservation, physicochemical variation, residue mobility, and thermodynamic stability) performed at Invitae indicates that this missense variant is expected to disrupt GRN protein function. This variant has not been reported in the literature in individuals affected with GRN-related conditions. This variant is present in population databases (no rsID available, gnomAD 0.002%). This sequence change replaces cysteine, which is neutral and slightly polar, with phenylalanine, which is neutral and non-polar, at codon 239 of the GRN protein (p.Cys239Phe).